The following is an entry in ClinVar:

NM_000245.4(MET):c.4100C>G (p.Ser1367Cys)

Gene: MET (MET proto-oncogene, receptor tyrosine kinase; plus strand). Cytogenetic location: 7q31.2.
Variant type: single nucleotide variant.
Coding change: c.4100C>G on transcript NM_000245.4 (MANE Select); coding-DNA position 4100, C replaced by G.
Protein change: p.Ser1367Cys; replaces serine 1367 with cysteine.
Molecular consequence: missense variant.
Genome position (GRCh38, 1-based): chr7:116,796,051, C>G. VCF-style: chr7-116796051-C-G. GRCh37 (hg19) VCF-style: chr7-116436105-C-G.
Other names: c.4154C>G, p.Ser1385Cys (NM_001127500.3); c.2810C>G, p.Ser937Cys (NM_001324402.2); short protein forms S1385C, S1367C, S937C.
Identifiers: ClinVar variation 220444 (VCV000220444.14), dbSNP rs747239403, ClinGen allele CA350109.

ClinVar aggregate classification (germline): Conflicting classifications of pathogenicity. Review status: criteria provided, conflicting classifications (1 of 4 stars). 4 submissions from 4 submitters: Uncertain significance (3); Likely benign (1). Last evaluated 2025-11-26.

Conditions:
Renal cell carcinoma. Identifiers: Orphanet 217071, MedGen C0007134, MeSH D002292, MONDO:0005086, HP:0005584.
Hereditary cancer-predisposing syndrome. Also called: Tumor predisposition; Neoplastic Syndromes, Hereditary; Hereditary Cancer Syndrome; Hereditary neoplastic syndrome. Identifiers: Orphanet 140162, MedGen C0027672, MeSH D009386, MONDO:0015356.
Papillary renal cell carcinoma type 1 (RCCP1). Also called: Renal adenocarcinoma; Renal cell carcinoma 1; Renal cell carcinoma, somatic; RENAL CELL CARCINOMA, PAPILLARY, 1, SOMATIC. Identifiers: Orphanet 47044, MedGen C1336839, OMIM 605074, HP:0011797.

Allele frequency attached by ClinVar (database versions not stated): TOPMed below 0.00001; ExAC 0.00002; gnomAD exomes 0.00002 and 0.00003.
gnomAD v4.1: 10 of 1,614,010 alleles (0.00062%); highest among the groups gnomAD compares: Non-Finnish European, 0.00085%; no homozygotes.

Submissions (4):

Clinical Genomics Laboratory, Washington University in St. Louis
Classification: Uncertain significance for Papillary renal cell carcinoma type 1. Last evaluated: 2025-11-26. Review status: criteria provided, single submitter. Criteria: ACMG Guidelines, 2015. Collection method: clinical testing. Allele origin: germline.
Comment: A MET c.4100C>G (p.Ser1367Cys) variant was identified at a heterozygous allelic fraction of 50.2%, a frequency which may be consistent with it being of germline origin. This variant, to our knowledge, has not been reported in the medical literature. It has been reported in the ClinVar database as a germline variant of uncertain significance by two submitters and likely benign by one submitter (Variation ID: 220444). It is only observed on 10/1,614,010 alleles in the general population (gnomAD v4.1.0), indicating it is not a common variant. Due to limited information, and based on ACMG/AMP guidelines for variant interpretation (Richards S et al., PMID: 25741868), the clinical significance of this variant is uncertain at this time.

Labcorp Genetics (formerly Invitae), Labcorp
Classification: Uncertain significance for Renal cell carcinoma. Last evaluated: 2025-11-24. Review status: criteria provided, single submitter. Criteria: Invitae Variant Classification Sherloc (09022015). Collection method: clinical testing. Allele origin: germline.
Comment: This sequence change replaces serine, which is neutral and polar, with cysteine, which is neutral and slightly polar, at codon 1385 of the MET protein (p.Ser1385Cys). This variant is present in population databases (rs747239403, gnomAD 0.006%). This variant has not been reported in the literature in individuals affected with MET-related conditions. ClinVar contains an entry for this variant (Variation ID: 220444). Invitae Evidence Modeling of protein sequence and biophysical properties (such as structural, functional, and spatial information, amino acid conservation, physicochemical variation, residue mobility, and thermodynamic stability) indicates that this missense variant is not expected to disrupt MET protein function with a negative predictive value of 80%. In summary, the available evidence is currently insufficient to determine the role of this variant in disease. Therefore, it has been classified as a Variant of Uncertain Significance.

Ambry Genetics
Classification: Likely benign for Hereditary cancer-predisposing syndrome. Last evaluated: 2024-08-13. Review status: criteria provided, single submitter. Criteria: Ambry Variant Classification Scheme 2023. Collection method: clinical testing. Allele origin: germline.

Mendelics
Classification: Uncertain significance for Renal cell carcinoma, papillary, 1. Last evaluated: 2018-07-02. Review status: criteria provided, single submitter. Criteria: Mendelics Assertion Criteria 2017. Collection method: clinical testing. Allele origin: unknown.